The following is an entry in ClinVar:

ClinVar aggregate classification (germline): Conflicting classifications of pathogenicity. Review status: criteria provided, conflicting classifications (1 of 4 stars). 2 submissions from 2 submitters: Uncertain significance (1); Likely benign (1). Last evaluated 2025-05-07.

Conditions:
Cardiovascular phenotype. Identifiers: MedGen CN230736.
Hereditary cancer-predisposing syndrome. Also called: Neoplastic Syndromes, Hereditary; Tumor predisposition; Hereditary neoplastic syndrome; Hereditary Cancer Syndrome. Identifiers: Orphanet 140162, MedGen C0027672, MeSH D009386, MONDO:0015356.
Neurofibromatosis, type 1 (NF1). Also called: VON RECKLINGHAUSEN DISEASE; NEUROFIBROMATOSIS, TYPE I, SOMATIC; Peripheral type neurofibromatosis; Neurofibromatosis, type I. Identifiers: Orphanet 636, MedGen C0027831, MONDO:0018975, OMIM 162200. Disease mechanism: loss of function.

Submissions (2):

Labcorp Genetics (formerly Invitae), Labcorp
Classification: Likely benign for Neurofibromatosis, type 1. Last evaluated: 2025-05-07. Review status: criteria provided, single submitter. Criteria: Invitae Variant Classification Sherloc (09022015). Collection method: clinical testing. Allele origin: germline.

Ambry Genetics
Classification: Uncertain significance for Cardiovascular phenotype; Hereditary cancer-predisposing syndrome. Last evaluated: 2022-09-09. Review status: criteria provided, single submitter. Criteria: Ambry Variant Classification Scheme 2023. Collection method: clinical testing. Allele origin: germline.
Comment: The c.6580-5T>G intronic variant results from a T to G substitution 5 nucleotides upstream from coding exon 43 in the NF1 gene. This nucleotide position is well conserved in available vertebrate species. In silico splice site analysis for this alteration is inconclusive. Since supporting evidence is limited at this time, the clinical significance of this alteration remains unclear.

NM_001042492.3(NF1):c.6643-5T>G

Gene: NF1 (neurofibromin 1; plus strand). Cytogenetic location: 17q11.2.
Variant type: single nucleotide variant.
Coding change: c.6643-5T>G on transcript NM_001042492.3 (MANE Select); 5 bases into the intron before coding-DNA position 6643, T replaced by G.
Molecular consequence: intron variant.
Genome position (GRCh38, 1-based): chr17:31,337,814, T>G. VCF-style: chr17-31337814-T-G. GRCh37 (hg19) VCF-style: chr17-29664832-T-G.
Other names: c.6580-5T>G (NM_000267.4).
Identifiers: ClinVar variation 527451 (VCV000527451.8), dbSNP rs1555534907, ClinGen allele CA658798810.